The following is an entry in ClinVar:

ClinVar aggregate classification (germline): Pathogenic. Review status: reviewed by expert panel (3 of 4 stars). 2 submissions from 2 submitters: Pathogenic (1). 1 of the submissions does not count toward it. Last evaluated 2021-09-15.

Conditions:
Glanzmann thrombasthenia. Also called: BLEEDING DISORDER, PLATELET-TYPE, 2; THROMBASTHENIA OF GLANZMANN AND NAEGELI; Thrombasthenia; Glanzmann's thrombasthenia; PLATELET GLYCOPROTEIN IIb-IIIa DEFICIENCY. Identifiers: Orphanet 849, MedGen C0040015, MONDO:0100326.

Allele frequency attached by ClinVar (database versions not stated): gnomAD exomes below 0.00001.
gnomAD v4.1: 1 of 1,613,624 alleles (0.000062%); highest among the groups gnomAD compares: South Asian, 0.0011%; no homozygotes.

Submissions (2):

ClinGen Platelet Disorders Variant Curation Expert Panel, ClinGen
Classification: Pathogenic for Glanzmann thrombasthenia. Last evaluated: 2021-09-15. Review status: reviewed by expert panel. Criteria: ClinGen Platelet ACMG Specifications v2-1. Collection method: curation. Allele origin: germline. Inheritance: Autosomal recessive inheritance.
Comment: NM_000419.5(ITGA2B):c.998+1G>C occurs within the canonical splice donor site of intron 11. It is predicted to cause skipping of biologically-relevant-exon 11/30, resulting in the p.(Met316Glufs*3) frameshift in exon 12, leading to nonsense mediated decay in a gene in which loss-of-function is an established disease mechanism (PVS1). This variant is absent from gnomAD v2.1.1 (PM2_Supporting). One homozygous patient has been reported with Glanzmann thrombasthenia (PMID: 32581362; PM3_supporting). In summary, this variant meets the criteria to be classified as Pathogenic for autosomal recessive Glanzmann Thrombasthenia based on the ACMG/AMP criteria applied, as specified by the ClinGen PD VCEP: PVS1, PM2_supporting, PM3_supporting. (VCEP specifications version 2; date of approval xx/xx/xxxx)

NIHR Bioresource Rare Diseases, University of Cambridge
Classification: Likely pathogenic for Glanzmann thrombasthenia 1. Review status: no assertion criteria provided. Collection method: research. Allele origin: unknown. Affected: yes. Observed: 1 variant allele. Not counted in ClinVar's aggregate classification.

Literature cited by the submitters: PubMed 32581362 (cited by NIHR Bioresource Rare Diseases, University of Cambridge).

NM_000419.5(ITGA2B):c.998+1G>C

Gene: ITGA2B (integrin subunit alpha 2b; minus strand). Cytogenetic location: 17q21.31.
Variant type: single nucleotide variant.
Coding change: c.998+1G>C on transcript NM_000419.5 (MANE Select); the canonical splice donor site of the intron after coding-DNA position 998, G replaced by C.
Molecular consequence: splice donor variant.
Genome position (GRCh38, 1-based): chr17:44,383,893, C>G on the plus strand (G>C on the coding strand, the complement: ITGA2B is on the minus strand). VCF-style: chr17-44383893-C-G. GRCh37 (hg19) VCF-style: chr17-42461261-C-G.
Identifiers: ClinVar variation 812734 (VCV000812734.4), dbSNP rs1598381778, ClinGen allele CA399804688.